The following is an entry in ClinVar:

NM_007118.4(TRIO):c.2649G>C (p.Glu883Asp)

Gene: TRIO (trio Rho guanine nucleotide exchange factor; plus strand). Cytogenetic location: 5p15.2.
Variant type: single nucleotide variant.
Coding change: c.2649G>C on transcript NM_007118.4 (MANE Select); coding-DNA position 2649, G replaced by C.
Protein change: p.Glu883Asp; replaces glutamic acid 883 with aspartic acid.
Molecular consequence: missense variant. On other transcripts: non-coding transcript variant (1).
Genome position (GRCh38, 1-based): chr5:14,364,711, G>C. VCF-style: chr5-14364711-G-C. GRCh37 (hg19) VCF-style: chr5-14364820-G-C.
Other names: short protein forms E883D.
Identifiers: ClinVar variation 2505746 (VCV002505746.1), dbSNP rs1744444678, ClinGen allele CA359212144.

ClinVar aggregate classification (germline): Uncertain significance (1 of 4 stars; one submission).

Submission:

GeneDx
Classification: Uncertain significance. Last evaluated: 2022-12-15. Review status: criteria provided, single submitter. Criteria: GeneDx Variant Classification Process June 2021. Collection method: clinical testing. Allele origin: germline. Affected: yes.
Comment: Same amino acid substitution caused by a different nucleotide change (c.2649G>T) has been reported in the published literature in association with TRIO-related neurodevelopmental disorder (Iossifov et al., 2014); Not observed at significant frequency in large population cohorts (gnomAD); In silico analysis supports that this missense variant does not alter protein structure/function; Has not been previously published as pathogenic or benign to our knowledge; This variant is associated with the following publications: (PMID: 25363768)